The following is an entry in ClinVar:

NM_016006.6(ABHD5):c.133T>A (p.Cys45Ser)

Gene: ABHD5 (abhydrolase domain containing 5, lysophosphatidic acid acyltransferase; plus strand). Cytogenetic location: 3p21.33.
Variant type: single nucleotide variant.
Coding change: c.133T>A on transcript NM_016006.6 (MANE Select); coding-DNA position 133, T replaced by A.
Protein change: p.Cys45Ser; replaces cysteine 45 with serine.
Molecular consequence: missense variant. On other transcripts: non-coding transcript variant (1).
Genome position (GRCh38, 1-based): chr3:43,699,361, T>A. VCF-style: chr3-43699361-T-A. GRCh37 (hg19) VCF-style: chr3-43740853-T-A.
Other names: c.133T>A, p.Cys45Ser (NM_001355186.2, NM_001365650.1); c.10T>A, p.Cys4Ser (NM_001365649.1); short protein forms C45S, C4S.
Identifiers: ClinVar variation 2991346 (VCV002991346.3), dbSNP rs2084511795, ClinGen allele CA352344861.

ClinVar aggregate classification (germline): Uncertain significance (1 of 4 stars; one submission).

Allele frequency attached by ClinVar (database versions not stated): TOPMed below 0.00001.

Submission:

Labcorp Genetics (formerly Invitae), Labcorp
Classification: Uncertain significance. Last evaluated: 2023-04-11. Review status: criteria provided, single submitter. Criteria: Invitae Variant Classification Sherloc (09022015). Collection method: clinical testing. Allele origin: germline.
Comment: This sequence change replaces cysteine, which is neutral and slightly polar, with serine, which is neutral and polar, at codon 45 of the ABHD5 protein (p.Cys45Ser). This variant is not present in population databases (gnomAD no frequency). This variant has not been reported in the literature in individuals affected with ABHD5-related conditions. An algorithm developed to predict the effect of missense changes on protein structure and function (PolyPhen-2) suggests that this variant is likely to be tolerated. In summary, the available evidence is currently insufficient to determine the role of this variant in disease. Therefore, it has been classified as a Variant of Uncertain Significance.